The following is an entry in ClinVar:

ClinVar aggregate classification (germline): Uncertain significance (1 of 4 stars; one submission).

Conditions:
Cardiovascular phenotype. Identifiers: MedGen CN230736.

Submission:

Ambry Genetics
Classification: Uncertain significance for Cardiovascular phenotype. Last evaluated: 2022-04-03. Review status: criteria provided, single submitter. Criteria: Ambry Variant Classification Scheme 2023. Collection method: clinical testing. Allele origin: germline.
Comment: The p.P230S variant (also known as c.688C>T), located in coding exon 5 of the SCN10A gene, results from a C to T substitution at nucleotide position 688. The proline at codon 230 is replaced by serine, an amino acid with similar properties. This amino acid position is conserved. In addition, the in silico prediction for this alteration is inconclusive. The evidence for this gene-disease relationship is limited; therefore, the clinical significance of this alteration is unclear.

NM_006514.4(SCN10A):c.688C>T (p.Pro230Ser)

Gene: SCN10A (sodium voltage-gated channel alpha subunit 10; minus strand). Cytogenetic location: 3p22.2.
Variant type: single nucleotide variant.
Coding change: c.688C>T on transcript NM_006514.4 (MANE Select); coding-DNA position 688, C replaced by T.
Protein change: p.Pro230Ser; replaces proline 230 with serine.
Molecular consequence: missense variant.
Genome position (GRCh38, 1-based): chr3:38,763,508, G>A on the plus strand (C>T on the coding strand, the complement: SCN10A is on the minus strand). VCF-style: chr3-38763508-G-A. GRCh37 (hg19) VCF-style: chr3-38804999-G-A.
Other names: c.688C>T, p.Pro230Ser (NM_001293306.2, NM_001293307.2); short protein forms P230S.
Identifiers: ClinVar variation 1755983 (VCV001755983.2), dbSNP rs147844607, ClinGen allele CA352171971.